The following is an entry in ClinVar:

ClinVar aggregate classification (germline): Uncertain significance (1 of 4 stars; one submission).

Submission:

Labcorp Genetics (formerly Invitae), Labcorp
Classification: Uncertain significance. Last evaluated: 2024-07-01. Review status: criteria provided, single submitter. Criteria: Invitae Variant Classification Sherloc (09022015). Collection method: clinical testing. Allele origin: germline.
Comment: This sequence change replaces glutamic acid, which is acidic and polar, with aspartic acid, which is acidic and polar, at codon 362 of the CYFIP2 protein (p.Glu362Asp). This variant is not present in population databases (gnomAD no frequency). This variant has not been reported in the literature in individuals affected with CYFIP2-related conditions. ClinVar contains an entry for this variant (Variation ID: 1515212). Experimental studies and prediction algorithms are not available or were not evaluated, and the functional significance of this variant is currently unknown. In summary, the available evidence is currently insufficient to determine the role of this variant in disease. Therefore, it has been classified as a Variant of Uncertain Significance.

NM_001037333.3(CYFIP2):c.1086G>T (p.Glu362Asp)

Gene: CYFIP2 (cytoplasmic FMR1 interacting protein 2; plus strand). Cytogenetic location: 5q33.3.
Variant type: single nucleotide variant.
Coding change: c.1086G>T on transcript NM_001037333.3 (MANE Select); coding-DNA position 1086, G replaced by T.
Protein change: p.Glu362Asp; replaces glutamic acid 362 with aspartic acid.
Molecular consequence: missense variant.
Genome position (GRCh38, 1-based): chr5:157,311,757, G>T. VCF-style: chr5-157311757-G-T. GRCh37 (hg19) VCF-style: chr5-156738765-G-T.
Other names: c.1008G>T, p.Glu336Asp (NM_001291721.2); c.1086G>T, p.Glu362Asp (NM_001291722.2, NM_014376.4); short protein forms E336D, E362D.
Identifiers: ClinVar variation 1515212 (VCV001515212.6), dbSNP rs1226359048, ClinGen allele CA361968125.